The following is an entry in ClinVar:

ClinVar aggregate classification (germline): Conflicting classifications of pathogenicity. Review status: criteria provided, conflicting classifications (1 of 4 stars). 2 submissions from 2 submitters: Uncertain significance (1); Likely benign (1). Last evaluated 2024-09-30.

Conditions:
Primary ciliary dyskinesia 28. Also called: CILIARY DYSKINESIA, PRIMARY, 28, WITH OR WITHOUT SITUS INVERSUS. Identifiers: Orphanet 244, MedGen C3809706, MONDO:0014216, OMIM 615505.
Primary ciliary dyskinesia. Also called: Ciliary dyskinesia. Identifiers: Orphanet 244, MedGen C0008780, MONDO:0016575, HP:0012265.

Allele frequency attached by ClinVar (database versions not stated): gnomAD exomes below 0.00001.
gnomAD v4.1: 5 of 1,613,240 alleles (0.00031%); highest among the groups gnomAD compares: Non-Finnish European, 0.00025%; no homozygotes.

Submissions (2):

Labcorp Genetics (formerly Invitae), Labcorp
Classification: Uncertain significance for Primary ciliary dyskinesia 28. Last evaluated: 2024-09-30. Review status: criteria provided, single submitter. Criteria: Invitae Variant Classification Sherloc (09022015). Collection method: clinical testing. Allele origin: germline.
Comment: This sequence change replaces glycine, which is neutral and non-polar, with aspartic acid, which is acidic and polar, at codon 97 of the SPAG1 protein (p.Gly97Asp). The frequency data for this variant in the population databases is considered unreliable, as metrics indicate poor data quality at this position in the gnomAD database. This variant has not been reported in the literature in individuals affected with SPAG1-related conditions. ClinVar contains an entry for this variant (Variation ID: 1348064). Invitae Evidence Modeling of protein sequence and biophysical properties (such as structural, functional, and spatial information, amino acid conservation, physicochemical variation, residue mobility, and thermodynamic stability) indicates that this missense variant is not expected to disrupt SPAG1 protein function with a negative predictive value of 80%. In summary, the available evidence is currently insufficient to determine the role of this variant in disease. Therefore, it has been classified as a Variant of Uncertain Significance.

Ambry Genetics
Classification: Likely benign for Primary ciliary dyskinesia. Last evaluated: 2023-08-21. Review status: criteria provided, single submitter. Criteria: Ambry Variant Classification Scheme 2023. Collection method: clinical testing. Allele origin: germline.

NM_003114.5(SPAG1):c.290G>A (p.Gly97Asp)

Gene: SPAG1 (sperm associated antigen 1; plus strand). Cytogenetic location: 8q22.2.
Variant type: single nucleotide variant.
Coding change: c.290G>A on transcript NM_003114.5 (MANE Select); coding-DNA position 290, G replaced by A.
Protein change: p.Gly97Asp; replaces glycine 97 with aspartic acid.
Molecular consequence: missense variant.
Genome position (GRCh38, 1-based): chr8:100,165,963, G>A. VCF-style: chr8-100165963-G-A. GRCh37 (hg19) VCF-style: chr8-101178191-G-A.
Other names: c.290G>A (NM_172218.2); c.290G>A, p.Gly97Asp (NM_001374321.1, NM_172218.3); short protein forms G97D.
Identifiers: ClinVar variation 1348064 (VCV001348064.8), dbSNP rs1175188961, ClinGen allele CA371819887.